The following is an entry in ClinVar:

ClinVar aggregate classification (germline): Likely pathogenic (1 of 4 stars; one submission).

Conditions:
Propionic acidemia (PROP). Also called: GLYCINEMIA, KETOTIC; HYPERGLYCINEMIA WITH KETOACIDOSIS AND LEUKOPENIA; KETOTIC HYPERGLYCINEMIA. Identifiers: Orphanet 35, MedGen C0268579, MONDO:0011628, OMIM 606054, HP:0003571.

Submission:

Labcorp Genetics (formerly Invitae), Labcorp
Classification: Likely pathogenic for Propionic acidemia. Last evaluated: 2021-03-11. Review status: criteria provided, single submitter. Criteria: Invitae Variant Classification Sherloc (09022015). Collection method: clinical testing. Allele origin: germline.
Comment: In summary, the currently available evidence indicates that the variant is pathogenic, but additional data are needed to prove that conclusively. Therefore, this variant has been classified as Likely Pathogenic. This variant disrupts the p.Glu168 amino acid residue in PCCB. Other variant(s) that disrupt this residue have been determined to be pathogenic (PMID: 9683601, 20549364, 12757933, 11749052). This suggests that this residue is clinically significant, and that variants that disrupt this residue are likely to be disease-causing. This variant has not been reported in the literature in individuals with PCCB-related conditions. This variant is a gross deletion of the genomic region encompassing exon(s) 5 of the PCCB gene. This variant would be expected to be in-frame, preserving the integrity of the reading frame.

Literature cited by the submitters: PubMed 9683601; PubMed 20549364; PubMed 12757933; PubMed 11749052.

NC_000003.11:g.(?_135980784)_(135980917_?)del

Gene: PCCB (propionyl-CoA carboxylase subunit beta; plus strand). Cytogenetic location: 3q22.3.
Variant type: Deletion.
Identifiers: ClinVar variation 1511501 (VCV001511501.6).